The following is an entry in ClinVar:

NM_006648.4(WNK2):c.538G>A (p.Glu180Lys)

Gene: WNK2 (WNK lysine deficient protein kinase 2; plus strand). Cytogenetic location: 9q22.31.
Variant type: single nucleotide variant.
Coding change: c.538G>A on transcript NM_006648.4 (MANE Select); coding-DNA position 538, G replaced by A.
Protein change: p.Glu180Lys; replaces glutamic acid 180 with lysine.
Molecular consequence: missense variant.
Genome position (GRCh38, 1-based): chr9:93,185,467, G>A. VCF-style: chr9-93185467-G-A. GRCh37 (hg19) VCF-style: chr9-95947749-G-A.
Other names: c.538G>A, p.Glu180Lys (NM_001282394.3); short protein forms E180K.
Identifiers: ClinVar variation 3982188 (VCV003982188.1).

ClinVar aggregate classification (germline): Uncertain significance (1 of 4 stars; one submission).

gnomAD v4.1: 1 of 1,612,732 alleles (0.000062%); highest among the groups gnomAD compares: East Asian, 0.0022%; no homozygotes.

Submission:

Ambry Genetics
Classification: Uncertain significance. Last evaluated: 2025-06-07. Review status: criteria provided, single submitter. Criteria: Ambry Variant Classification Scheme 2023. Collection method: clinical testing. Allele origin: germline.
Comment: The p.E180K variant (also known as c.538G>A), located in coding exon 1 of the WNK2 gene, results from a G to A substitution at nucleotide position 538. The glutamic acid at codon 180 is replaced by lysine, an amino acid with similar properties. This amino acid position is conserved. In addition, the in silico prediction for this alteration is inconclusive. Based on the available evidence, the clinical significance of this variant remains unclear.